The following is an entry in ClinVar:

NM_001854.4(COL11A1):c.1201T>A (p.Phe401Ile)

Gene: COL11A1 (collagen type XI alpha 1 chain; minus strand). Cytogenetic location: 1p21.1.
Variant type: single nucleotide variant.
Coding change: c.1201T>A on transcript NM_001854.4 (MANE Select); coding-DNA position 1201, T replaced by A.
Protein change: p.Phe401Ile; replaces phenylalanine 401 with isoleucine.
Molecular consequence: missense variant. On other transcripts: non-coding transcript variant (1), intron variant (1).
Genome position (GRCh38, 1-based): chr1:103,022,786, A>T on the plus strand (T>A on the coding strand, the complement: COL11A1 is on the minus strand). VCF-style: chr1-103022786-A-T. GRCh37 (hg19) VCF-style: chr1-103488342-A-T.
Other names: c.1084T>A, p.Phe362Ile (NM_001190709.2); c.1237T>A, p.Phe413Ile (NM_080629.3); c.898-1017T>A (NM_080630.4); short protein forms F401I, F413I, F362I.
Identifiers: ClinVar variation 392525 (VCV000392525.61), dbSNP rs141817156, ClinGen allele CA975099.

ClinVar aggregate classification (germline): Conflicting classifications of pathogenicity. Review status: criteria provided, conflicting classifications (1 of 4 stars). 10 submissions from 10 submitters: Uncertain significance (4); Likely benign (4). 2 of the submissions do not count toward it. Last evaluated 2026-08-05.

Conditions:
Inborn genetic diseases. Identifiers: MedGen C0950123, MeSH D030342.

Allele frequency attached by ClinVar (database versions not stated): ESP Exome Variant Server 0.00115; 1000 Genomes Project 0.00120; TOPMed 0.00140; 1000 Genomes Project 30x 0.00172.
gnomAD v4.1: 406 of 1,613,728 alleles (0.025%); highest among the groups gnomAD compares: African/African-American, 0.46%; no homozygotes.

Submissions (10):

Ambry Genetics
Classification: Uncertain significance for Inborn genetic diseases. Last evaluated: 2026-08-05. Review status: criteria provided, single submitter. Criteria: Ambry Variant Classification Scheme 2023. Collection method: clinical testing. Allele origin: germline.

Women's Health and Genetics/Laboratory Corporation of America, LabCorp
Classification: Likely benign. Last evaluated: 2026-05-21. Review status: criteria provided, single submitter. Criteria: LabCorp Variant Classification Summary - May 2015. Collection method: clinical testing. Allele origin: germline.
Comment: Variant summary: COL11A1 c.1201T>A (p.Phe401Ile) results in a non-conservative amino acid change in the encoded protein sequence. Algorithms developed to predict the effect of missense changes on protein structure and function are either unavailable or do not agree on the potential impact of this missense change. The variant allele was found at a frequency of 0.00037 in 249128 control chromosomes, predominantly at a frequency of 0.005 within the African or African-American subpopulation in the gnomAD database. The observed variant frequency within African or African-American control individuals in the gnomAD database exceeds the estimated maximal expected allele frequency for disease-causing variants in COL11A1. To our knowledge, no occurrence of c.1201T>A in individuals affected with COL11A1-related conditions and no experimental evidence demonstrating its impact on protein function have been reported. ClinVar contains an entry for this variant (Variation ID: 392525). Based on the evidence outlined above, the variant was classified as likely benign.

Labcorp Genetics (formerly Invitae), Labcorp
Classification: Likely benign. Last evaluated: 2026-02-02. Review status: criteria provided, single submitter. Criteria: Invitae Variant Classification Sherloc (09022015). Collection method: clinical testing. Allele origin: germline.

Blueprint Genetics
Classification: Likely benign. Last evaluated: 2024-11-12. Review status: criteria provided, single submitter. Criteria: ACMG Guidelines, 2015. Collection method: clinical testing. Allele origin: germline.

ARUP Laboratories, Molecular Genetics and Genomics, ARUP Laboratories
Classification: Uncertain significance. Last evaluated: 2023-11-29. Review status: criteria provided, single submitter. Criteria: ARUP Molecular Germline Variant Investigation Process 2024. Collection method: clinical testing. Allele origin: germline.
Comment: The COL11A1 c.1201T>A; p.Phe401Ile variant (rs141817156), to our knowledge, is not reported in the medical literature but is reported in ClinVar (Variation ID: 392525). This variant is found in the African/African-American population with an allele frequency of 0.46% (114/24762 alleles) in the Genome Aggregation Database. The phenylalanine at codon 401 is moderately conserved, and computational analyses are uncertain whether this variant is neutral or deleterious (REVEL: 0.255). Additionally, another variant at this codon (c.1201T>C; p.Phe401Leu) has been reported in a mother and daughter with Stickler syndrome (Huang 2020). The high population frequency suggests that p.Phe401Ile is unlikely associated with clinically severe presentations. However, its detection in certain effected populations does not rule out a contribution to adult onset osteoarthritis or syndromic short stature. Based on the available information, the clinical significance of the p.Phe401Ile variant is uncertain at this time. References: Huang L et al. Mutation Spectrum and De Novo Mutation Analysis in Stickler Syndrome Patients with High Myopia or Retinal Detachment. Genes (Basel). 2020 Aug 3;11(8):882. PMID: 32756486.

GeneDx
Classification: Likely benign. Last evaluated: 2021-05-21. Review status: criteria provided, single submitter. Criteria: GeneDx Variant Classification Process June 2021. Collection method: clinical testing. Allele origin: germline. Affected: yes.

CeGaT Center for Human Genetics Tuebingen
Classification: Uncertain significance. Last evaluated: 2018-06-01. Review status: criteria provided, single submitter. Criteria: CeGaT Center For Human Genetics Tuebingen Variant Classification Criteria Version 2. Collection method: clinical testing. Allele origin: germline. Affected: yes. Observed: 1 variant allele.

Eurofins Ntd Llc (ga)
Classification: Uncertain significance. Last evaluated: 2017-06-09. Review status: criteria provided, single submitter. Criteria: EGL Classification Definitions 2015. Collection method: clinical testing. Allele origin: germline. Observed: 2 variant alleles, 2 heterozygotes.

Clinical Genetics DNA and cytogenetics Diagnostics Lab, Erasmus MC, Erasmus Medical Center
Classification: Uncertain significance. Review status: no assertion criteria provided. Collection method: clinical testing. Allele origin: germline. Affected: yes. Study: VKGL Data-share Consensus. Not counted in ClinVar's aggregate classification.

Clinical Genetics, Academic Medical Center
Classification: Uncertain significance. Review status: no assertion criteria provided. Collection method: clinical testing. Allele origin: germline. Affected: yes. Study: VKGL Data-share Consensus. Not counted in ClinVar's aggregate classification.